The following is an entry in ClinVar:

NM_002496.4(NDUFS8):c.160C>T (p.Arg54Trp)

Gene: NDUFS8 (NADH:ubiquinone oxidoreductase core subunit S8; plus strand). Cytogenetic location: 11q13.2.
Variant type: single nucleotide variant.
Coding change: c.160C>T on transcript NM_002496.4 (MANE Select); coding-DNA position 160, C replaced by T.
Protein change: p.Arg54Trp; replaces arginine 54 with tryptophan.
Molecular consequence: missense variant.
Genome position (GRCh38, 1-based): chr11:68,032,973, C>T. VCF-style: chr11-68032973-C-T. GRCh37 (hg19) VCF-style: chr11-67800440-C-T.
Other names: short protein forms R54W.
Identifiers: ClinVar variation 2577373 (VCV002577373.2), dbSNP rs758247003, ClinGen allele CA6146388.
Genomic context (GRCh38, chr11:68,032,973, plus strand): 5'-CTCTCTGCAGAGTATGTGAACATGCAGGATCCCGAGATGGACATGAAGTCAGTGACTGAC[C>T]GGGCAGCCCGCACCCTGCTGTGGACTGAGCTCTTCCGAGGTGCGTCCTGGGCATGAGGGG-3'
Protein context (NP_002487.1, residues 44-64): PEMDMKSVTD[Arg54Trp]AARTLLWTEL

ClinVar aggregate classification (germline): Conflicting classifications of pathogenicity. Review status: criteria provided, conflicting classifications (1 of 4 stars). 2 submissions from 2 submitters: Pathogenic (1); Uncertain significance (1). Last evaluated 2024-08-21.

Conditions:
Mitochondrial complex I deficiency, nuclear type 2. Also called: Mitochondrial complex 1 deficiency, nuclear type 2. Identifiers: MedGen C4748737, MONDO:0032606, OMIM 618222.

Allele frequency attached by ClinVar (database versions not stated): gnomAD exomes 0.00001; ExAC 0.00002; gnomAD 0.00002; TOPMed 0.00002.
gnomAD v4.1: 12 of 1,613,752 alleles (0.00074%); highest among the groups gnomAD compares: East Asian, 0.0022%; no homozygotes.

Submissions (2):

Blueprint Genetics
Classification: Uncertain significance. Last evaluated: 2024-08-21. Review status: criteria provided, single submitter. Criteria: ACMG Guidelines, 2015. Collection method: clinical testing. Allele origin: germline.

Women's Health and Genetics/Laboratory Corporation of America, LabCorp
Classification: Pathogenic for Mitochondrial complex I deficiency, nuclear type 2. Last evaluated: 2023-07-25. Review status: criteria provided, single submitter. Criteria: LabCorp Variant Classification Summary - May 2015. Collection method: clinical testing. Allele origin: germline.
Comment: Variant summary: NDUFS8 c.160C>T (p.Arg54Trp) results in a non-conservative amino acid change in the encoded protein sequence. Four of five in-silico tools predict a damaging effect of the variant on protein function. The variant allele was found at a frequency of 2e-05 in 251102 control chromosomes (gnomAD). c.160C>T has been reported in the literature in multiple individuals affected with Leigh syndrome (Marina_2013, Alves_2020, MartinSaavedra_2022), and in one family the variant cosegregated with disease in homozygous individuals. These data indicate that the variant is very likely to be associated with disease. The following publications have been ascertained in the context of this evaluation (PMID: 23430795, 32445240, 34052969). No submitters have cited clinical-significance assessments for this variant to ClinVar after 2014. Based on the evidence outlined above, the variant was classified as pathogenic.

Literature cited by the submitters: PubMed 32445240 (cited by Women's Health and Genetics/Laboratory Corporation of America, LabCorp); PubMed 34052969 (cited by Women's Health and Genetics/Laboratory Corporation of America, LabCorp); PubMed 23430795 (cited by Women's Health and Genetics/Laboratory Corporation of America, LabCorp).